The following is an entry in ClinVar:

ClinVar aggregate classification (germline): Uncertain significance. Review status: criteria provided, multiple submitters, no conflicts (2 of 4 stars). 2 submissions from 2 submitters: Uncertain significance (2). Last evaluated 2025-01-25.

Conditions:
Inborn genetic diseases. Identifiers: MedGen C0950123, MeSH D030342.

Allele frequency attached by ClinVar (database versions not stated): ExAC 0.00003; TOPMed 0.00003; gnomAD 0.00004; gnomAD exomes 0.00005; ESP Exome Variant Server 0.00015.
gnomAD v4.1: 85 of 1,613,186 alleles (0.0053%); highest among the groups gnomAD compares: Non-Finnish European, 0.0069%; no homozygotes.

Submissions (2):

Labcorp Genetics (formerly Invitae), Labcorp
Classification: Uncertain significance. Last evaluated: 2025-01-25. Review status: criteria provided, single submitter. Criteria: Invitae Variant Classification Sherloc (09022015). Collection method: clinical testing. Allele origin: germline.
Comment: This sequence change replaces serine, which is neutral and polar, with cysteine, which is neutral and slightly polar, at codon 2757 of the DMXL2 protein (p.Ser2757Cys). This variant is present in population databases (rs137986504, gnomAD 0.007%). This variant has not been reported in the literature in individuals affected with DMXL2-related conditions. ClinVar contains an entry for this variant (Variation ID: 1973312). An algorithm developed to predict the effect of missense changes on protein structure and function (PolyPhen-2) suggests that this variant is likely to be disruptive. In summary, the available evidence is currently insufficient to determine the role of this variant in disease. Therefore, it has been classified as a Variant of Uncertain Significance.

Ambry Genetics
Classification: Uncertain significance for Inborn genetic diseases. Last evaluated: 2023-03-01. Review status: criteria provided, single submitter. Criteria: Ambry Variant Classification Scheme 2023. Collection method: clinical testing. Allele origin: germline.

NM_001378457.1(DMXL2):c.8332A>T (p.Ser2778Cys)

Gene: DMXL2 (Dmx like 2; minus strand). Cytogenetic location: 15q21.2.
Variant type: single nucleotide variant.
Coding change: c.8332A>T on transcript NM_001378457.1 (MANE Select); coding-DNA position 8332, A replaced by T.
Protein change: p.Ser2778Cys; replaces serine 2778 with cysteine.
Molecular consequence: missense variant. On other transcripts: non-coding transcript variant (2).
Genome position (GRCh38, 1-based): chr15:51,457,333, T>A on the plus strand (A>T on the coding strand, the complement: DMXL2 is on the minus strand). VCF-style: chr15-51457333-T-A. GRCh37 (hg19) VCF-style: chr15-51749530-T-A.
Other names: c.8269A>T, p.Ser2757Cys (NM_001174116.3); c.6358A>T, p.Ser2120Cys (NM_001174117.3); c.8329A>T, p.Ser2777Cys (NM_001378458.1); c.8044A>T, p.Ser2682Cys (NM_001378459.1); c.6247A>T, p.Ser2083Cys (NM_001378460.1); c.8266A>T, p.Ser2756Cys (NM_015263.5); c.8269A>T (NM_001174116.1); short protein forms S2756C, S2778C, S2083C, S2757C, S2120C, S2682C, S2777C.
Identifiers: ClinVar variation 1973312 (VCV001973312.5), dbSNP rs137986504, ClinGen allele CA7561087.